The following is an entry in ClinVar:

ClinVar aggregate classification (germline): Uncertain significance. Review status: criteria provided, multiple submitters, no conflicts (2 of 4 stars). 2 submissions from 2 submitters: Uncertain significance (2). Last evaluated 2025-06-25.

Conditions:
Hereditary spastic paraplegia 48. Also called: Spastic paraplegia 48; SPASTIC PARAPLEGIA 48, AUTOSOMAL RECESSIVE. Identifiers: Orphanet 306511, MedGen C3150901, MONDO:0013342, OMIM 613647.
Inborn genetic diseases. Identifiers: MedGen C0950123, MeSH D030342.

Allele frequency attached by ClinVar (database versions not stated): TOPMed 0.00002; gnomAD 0.00003; gnomAD exomes 0.00003.
gnomAD v4.1: 56 of 1,612,108 alleles (0.0035%); highest among the groups gnomAD compares: Middle Eastern, 0.016%; no homozygotes.

Submissions (2):

Ambry Genetics
Classification: Uncertain significance for Inborn genetic diseases. Last evaluated: 2025-06-25. Review status: criteria provided, single submitter. Criteria: Ambry Variant Classification Scheme 2023. Collection method: clinical testing. Allele origin: germline.

Labcorp Genetics (formerly Invitae), Labcorp
Classification: Uncertain significance for Hereditary spastic paraplegia 48. Last evaluated: 2024-01-04. Review status: criteria provided, single submitter. Criteria: Invitae Variant Classification Sherloc (09022015). Collection method: clinical testing. Allele origin: germline.
Comment: This sequence change replaces proline, which is neutral and non-polar, with leucine, which is neutral and non-polar, at codon 288 of the AP5Z1 protein (p.Pro288Leu). This variant is present in population databases (no rsID available, gnomAD 0.003%). This variant has not been reported in the literature in individuals affected with AP5Z1-related conditions. ClinVar contains an entry for this variant (Variation ID: 1923669). Algorithms developed to predict the effect of missense changes on protein structure and function output the following: SIFT: "Not Available"; PolyPhen-2: "Benign"; Align-GVGD: "Not Available". The leucine amino acid residue is found in multiple mammalian species, which suggests that this missense change does not adversely affect protein function. In summary, the available evidence is currently insufficient to determine the role of this variant in disease. Therefore, it has been classified as a Variant of Uncertain Significance.

NM_014855.3(AP5Z1):c.863C>T (p.Pro288Leu)

Gene: AP5Z1 (adaptor related protein complex 5 subunit zeta 1; plus strand). Cytogenetic location: 7p22.1.
Variant type: single nucleotide variant.
Coding change: c.863C>T on transcript NM_014855.3 (MANE Select); coding-DNA position 863, C replaced by T.
Protein change: p.Pro288Leu; replaces proline 288 with leucine.
Molecular consequence: missense variant. On other transcripts: non-coding transcript variant (1).
Genome position (GRCh38, 1-based): chr7:4,784,980, C>T. VCF-style: chr7-4784980-C-T. GRCh37 (hg19) VCF-style: chr7-4824611-C-T.
Other names: c.863C>T (NM_014855.2); c.395C>T, p.Pro132Leu (NM_001364858.1); short protein forms P288L, P132L.
Identifiers: ClinVar variation 1923669 (VCV001923669.4), dbSNP rs897049473, ClinGen allele CA153022875.